The following is an entry in ClinVar:

ClinVar aggregate classification (germline): Likely benign. Review status: criteria provided, single submitter (1 of 4 stars). 2 submissions from 2 submitters: Likely benign (1). 1 of the submissions does not count toward it. Last evaluated 2026-01-11.

Conditions:
MYH3-related disorder. Also called: MYH3-Related Disorders; MYH3-related condition. Identifiers: MedGen CN239329.

Allele frequency attached by ClinVar (database versions not stated): TOPMed 0.00007; gnomAD 0.00011 and 0.00007; gnomAD exomes 0.00018; ExAC 0.00021; 1000 Genomes Project 30x 0.00078; 1000 Genomes Project 0.00100.
gnomAD v4.1: 163 of 1,614,092 alleles (0.01%); highest among the groups gnomAD compares: South Asian, 0.1%; no homozygotes.

Submissions (2):

Labcorp Genetics (formerly Invitae), Labcorp
Classification: Likely benign. Last evaluated: 2026-01-11. Review status: criteria provided, single submitter. Criteria: Invitae Variant Classification Sherloc (09022015). Collection method: clinical testing. Allele origin: germline.

PreventionGenetics, part of Exact Sciences
Classification: Likely benign for MYH3-related condition. Last evaluated: 2023-10-10. Review status: no assertion criteria provided. Collection method: clinical testing. Allele origin: germline. Not counted in ClinVar's aggregate classification.
Comment: This variant is classified as likely benign based on ACMG/AMP sequence variant interpretation guidelines (Richards et al. 2015 PMID: 25741868, with internal and published modifications).

NM_002470.4(MYH3):c.5108C>T (p.Ala1703Val)

Gene: MYH3 (myosin heavy chain 3; minus strand). Cytogenetic location: 17p13.1.
Variant type: single nucleotide variant.
Coding change: c.5108C>T on transcript NM_002470.4 (MANE Select); coding-DNA position 5108, C replaced by T.
Protein change: p.Ala1703Val; replaces alanine 1703 with valine.
Molecular consequence: missense variant.
Genome position (GRCh38, 1-based): chr17:10,631,865, G>A on the plus strand (C>T on the coding strand, the complement: MYH3 is on the minus strand). VCF-style: chr17-10631865-G-A. GRCh37 (hg19) VCF-style: chr17-10535182-G-A.
Other names: short protein forms A1703V.
Identifiers: ClinVar variation 733475 (VCV000733475.10), dbSNP rs546075871, ClinGen allele CA8392044.